The following is an entry in ClinVar:

NM_025099.6(CTC1):c.694C>T (p.Arg232Ter)

Gene: CTC1 (CST telomere replication complex component 1; minus strand). Cytogenetic location: 17p13.1.
Variant type: single nucleotide variant.
Coding change: c.694C>T on transcript NM_025099.6 (MANE Select); coding-DNA position 694, C replaced by T.
Protein change: p.Arg232Ter; replaces arginine 232 with a stop codon.
Molecular consequence: nonsense.
Genome position (GRCh38, 1-based): chr17:8,237,473, G>A on the plus strand (C>T on the coding strand, the complement: CTC1 is on the minus strand). VCF-style: chr17-8237473-G-A. GRCh37 (hg19) VCF-style: chr17-8140791-G-A.
Other names: c.694C>T, p.Arg232Ter (NM_001411067.1); short protein forms R232*.
Identifiers: ClinVar variation 2153209 (VCV002153209.4), dbSNP rs1270595568, ClinGen allele CA397991814.
Genomic context (GRCh38, chr17:8,237,473, plus strand): 5'-ATCTACCAAGAGACAGGATGAAGTAAGCTTTCTGTTTACTTTTCACCAGAGCACTCAATC[G>A]AACTAGACTCCCAGCCAGGTTTCGCTGCACACCTCTGAGCTTGTTTCTAAGAAGGAAGAA-3'

ClinVar aggregate classification (germline): Pathogenic (1 of 4 stars; one submission).

Conditions:
Dyskeratosis congenita. Identifiers: Orphanet 1775, MedGen C0265965, MONDO:0015780.

Allele frequency attached by ClinVar (database versions not stated): gnomAD exomes below 0.00001; TOPMed below 0.00001.

Submission:

Labcorp Genetics (formerly Invitae), Labcorp
Classification: Pathogenic for Dyskeratosis congenita. Last evaluated: 2022-09-16. Review status: criteria provided, single submitter. Criteria: Invitae Variant Classification Sherloc (09022015). Collection method: clinical testing. Allele origin: germline.
Comment: For these reasons, this variant has been classified as Pathogenic. Algorithms developed to predict the effect of sequence changes on RNA splicing suggest that this variant may create or strengthen a splice site. This variant has not been reported in the literature in individuals affected with CTC1-related conditions. This variant is not present in population databases (gnomAD no frequency). This sequence change creates a premature translational stop signal (p.Arg232*) in the CTC1 gene. It is expected to result in an absent or disrupted protein product. Loss-of-function variants in CTC1 are known to be pathogenic (PMID: 22267198, 22387016).

Literature cited by the submitters: PubMed 22267198; PubMed 22387016.